The following is an entry in ClinVar:

NM_000138.5(FBN1):c.5053AAT[1] (p.Asn1686del)

Gene: FBN1 (fibrillin 1; minus strand). Cytogenetic location: 15q21.1.
Variant type: Microsatellite.
Coding change: c.5053AAT[1] on transcript NM_000138.5 (MANE Select); one copy of the 3-base unit AAT starting at c.5053; the reference has two copies in a row; one copy, 3 bases deleted.
Protein change: p.Asn1686del; deletes asparagine 1686.
Molecular consequence: inframe deletion.
Genome position (GRCh38, 1-based): chr15:48,463,906-48,463,908, ATT deleted on the plus strand (AAT on the coding strand, the reverse complement: FBN1 is on the minus strand); deleting any 3 consecutive bases within chr15:48,463,906-48,463,911 gives the same sequence; the position shown is the placement nearest the transcript's 3' end. VCF-style (leftmost placement, unchanged base first): chr15-48463905-AATT-A. GRCh37 (hg19) VCF-style: chr15-48756102-AATT-A.
Other names: short protein forms N1686del.
Identifiers: ClinVar variation 1305365 (VCV001305365.2), dbSNP rs2141267592, ClinGen allele CA2580613816.

ClinVar aggregate classification (germline): Uncertain significance (1 of 4 stars; one submission).

Submission:

GeneDx
Classification: Uncertain significance. Last evaluated: 2019-04-19. Review status: criteria provided, single submitter. Criteria: GeneDx Variant Classification Process June 2021. Collection method: clinical testing. Allele origin: germline. Affected: yes.
Comment: Identified in a patient with an ascending aortic aneurysm in the published literature (Weerakkody et al., 2018); Not observed in large population cohorts (Lek et al., 2016); In-frame deletion of 1 amino acid in a non-repeat region; In silico analysis, which includes protein predictors and evolutionary conservation, supports a deleterious effect; This variant is associated with the following publications: (PMID: 29543232)